The following is an entry in ClinVar:

NM_003072.5(SMARCA4):c.914C>T (p.Pro305Leu)

Gene: SMARCA4 (SWI/SNF related BAF chromatin remodeling complex subunit ATPase 4; plus strand). Cytogenetic location: 19p13.2.
Variant type: single nucleotide variant.
Coding change: c.914C>T on transcript NM_003072.5 (MANE Select); coding-DNA position 914, C replaced by T.
Protein change: p.Pro305Leu; replaces proline 305 with leucine.
Molecular consequence: missense variant. On other transcripts: non-coding transcript variant (1).
Genome position (GRCh38, 1-based): chr19:10,987,720, C>T. VCF-style: chr19-10987720-C-T. GRCh37 (hg19) VCF-style: chr19-11098396-C-T.
Other names: c.914C>T, p.Pro305Leu (NM_001128844.3, NM_001128845.2, NM_001128846.2 and 5 more transcripts); c.914C>T (NM_001128849.2); short protein forms P305L.
Identifiers: ClinVar variation 470468 (VCV000470468.48), dbSNP rs138097741, ClinGen allele CA9203627.
Genomic context (GRCh38, chr19:10,987,720, plus strand): 5'-TCCCAGGACCCATGGCGAATGCTGCTGCCCCCACGAGCACCCCTCAGAAGCTGATTCCCC[C>T]GCAGCCAACGGGCCGCCCTTCCCCCGCGCCCCCTGCCGTCCCACCCGCCGCCTCGCCCGT-3'
Protein context (NP_003063.2, residues 295-315): PTSTPQKLIP[Pro305Leu]QPTGRPSPAP

ClinVar aggregate classification (germline): Conflicting classifications of pathogenicity. Review status: criteria provided, conflicting classifications (1 of 4 stars). 10 submissions from 10 submitters: Uncertain significance (9); Likely benign (1). Last evaluated 2026-10-01.

Conditions:
SMARCA4-related disorder. Also called: SMARCA4-related condition.
Rhabdoid tumor predisposition syndrome 2 (RTPS2). Identifiers: Orphanet 231108, Orphanet 69077, MedGen C2750074, MONDO:0013224, OMIM 613325.
Intellectual disability, autosomal dominant 16 (CSS4). Also called: COFFIN-SIRIS SYNDROME 4. Identifiers: Orphanet 1465, MedGen C3553249, MONDO:0013821, OMIM 614609.
Hereditary cancer-predisposing syndrome. Also called: Hereditary neoplastic syndrome; Tumor predisposition; Neoplastic Syndromes, Hereditary; Hereditary Cancer Syndrome. Identifiers: Orphanet 140162, MedGen C0027672, MeSH D009386, MONDO:0015356.

Allele frequency attached by ClinVar (database versions not stated): ExAC 0.00001; ESP Exome Variant Server 0.00008; gnomAD 0.00010 and 0.00012; TOPMed 0.00017.
gnomAD v4.1: 98 of 1,610,198 alleles (0.0061%); highest among the groups gnomAD compares: Admixed American, 0.042%; no homozygotes.

Submissions (10):

St. Jude Molecular Pathology, St. Jude Children's Research Hospital
Classification: Uncertain significance for Rhabdoid tumor predisposition syndrome 2. Last evaluated: 2026-10-01. Review status: criteria provided, single submitter. Criteria: St. Jude Assertion Criteria 2020. Collection method: clinical testing. Allele origin: germline.
Comment: The SMARCA4 c.914C>T p.(Pro305Leu) missense change has a maximum subpopulation frequency of 0.02% in gnomAD v2.1.1. The in silico tool REVEL is inconclusive about a pathogenic or b enign effect of this variant on protein function, and to our knowledge functional studies have not been performed. To our knowledge, this variant has not been reported in individuals with rhabdoid tumor predisposition syndrome. In summary, the evidence c urrently available is insufficient to determine the clinical significance of this variant. It has therefore been classified as of uncertain significance (VUS-Low).

PreventionGenetics, part of Exact Sciences
Classification: Uncertain significance for SMARCA4-related condition. Last evaluated: 2026-02-16. Review status: criteria provided, single submitter. Criteria: ACMG Guidelines, 2015. Collection method: clinical testing. Allele origin: germline.
Comment: The SMARCA4 c.914C>T variant is predicted to result in the amino acid substitution p.Pro305Leu. This variant has been reported in the literature in an individual with advanced cancer (Supp. 2 e table, Mandelker et al. 2017. PubMed ID: 28873162) and in an individual with a neurodevelopmental disorder (Supp. Table 1, Valencia et al. 2023. PubMed ID: 37500730). This variant is reported in 0.023% of alleles in individuals of Latino descent in gnomAD. This variant has conflicting interpretations in ClinVar ranging from uncertain to likely benign (Variation ID: 470468). At this time, the clinical significance of this variant is uncertain due to the absence of conclusive functional and genetic evidence.

Labcorp Genetics (formerly Invitae), Labcorp
Classification: Uncertain significance for Rhabdoid tumor predisposition syndrome 2. Last evaluated: 2026-02-02. Review status: criteria provided, single submitter. Criteria: Invitae Variant Classification Sherloc (09022015). Collection method: clinical testing. Allele origin: germline.
Comment: This sequence change replaces proline, which is neutral and non-polar, with leucine, which is neutral and non-polar, at codon 305 of the SMARCA4 protein (p.Pro305Leu). This variant is present in population databases (rs138097741, gnomAD 0.02%). This missense change has been observed in individual(s) with clinical features of SMARCA4-related conditions (PMID: 37500730). ClinVar contains an entry for this variant (Variation ID: 470468). Invitae Evidence Modeling of protein sequence and biophysical properties (such as structural, functional, and spatial information, amino acid conservation, physicochemical variation, residue mobility, and thermodynamic stability) has been performed for this missense variant. However, the output from this modeling did not meet the statistical confidence thresholds required to predict the impact of this variant on SMARCA4 protein function. In summary, the available evidence is currently insufficient to determine the role of this variant in disease. Therefore, it has been classified as a Variant of Uncertain Significance.

GeneDx
Classification: Uncertain significance. Last evaluated: 2025-05-12. Review status: criteria provided, single submitter. Criteria: GeneDx Variant Classification Process June 2021. Collection method: clinical testing. Allele origin: germline. Affected: yes.
Comment: Observed in individual(s) with advanced cancer referred for germline sequencing (PMID: 28873162); In silico analysis supports that this missense variant has a deleterious effect on protein structure/function; Observed in patients with neurodevelopmental disorders (PMID: 37500730); This variant is associated with the following publications: (PMID: 28873162, 37500730)

Quest Diagnostics Nichols Institute San Juan Capistrano
Classification: Uncertain significance. Last evaluated: 2024-07-09. Review status: criteria provided, single submitter. Criteria: Quest Diagnostics criteria. Collection method: clinical testing. Allele origin: unknown.
Comment: The SMARCA4 c.914C>T (p.Pro305Leu) variant has been reported in the published literature in at least one individual with advanced cancer (PMID: 28873162 (2017)). The frequency of this variant in the general population, 0.00023 (8/34170 chromosomes in Admixed American subpopulation (Genome Aggregation Database)), is higher than would generally be expected for pathogenic variants in this gene. Analysis of this variant using bioinformatics tools for the prediction of the effect of amino acid changes on protein structure and function yielded conflicting predictions that this variant is deleterious or benign. Based on the available information, we are unable to determine the clinical significance of this variant.

CeGaT Center for Human Genetics Tuebingen
Classification: Uncertain significance. Last evaluated: 2023-08-01. Review status: criteria provided, single submitter. Criteria: CeGaT Center For Human Genetics Tuebingen Variant Classification Criteria Version 2. Collection method: clinical testing. Allele origin: germline. Affected: yes. Observed: 1 variant allele.
Comment: SMARCA4: PP2

Sema4
Classification: Uncertain significance for Hereditary cancer-predisposing syndrome. Last evaluated: 2021-12-08. Review status: criteria provided, single submitter. Criteria: Sema4 Curation Guidelines. Collection method: curation. Allele origin: germline.
Comment: The SMARCA4 c.914C>T (p.P305L) variant has been reported in at least 1 individual in a cohort of patients with prostate, renal, pancreatic, breast, and colon cancer (PMID: 28873162). This variant was observed in 8/34170 chromosomes in the Latino subpopulation according to the Genome Aggregation Database (PMID: 32461654). This variant has been reported in ClinVar (Variation ID: 470468). In silico tools suggest the impact of the variant on protein function is inconclusive, though these predictions have not been confirmed by functional studies. The overall evidence is insufficient to meet ACMG/AMP criteria for classifying it as benign or pathogenic. In summary, the clinical significance of this variant is currently uncertain.

Genome-Nilou Lab
Classification: Uncertain significance for Intellectual disability, autosomal dominant 16. Last evaluated: 2021-07-15. Review status: criteria provided, single submitter. Criteria: ACMG Guidelines, 2015. Collection method: clinical testing. Allele origin: germline. Affected: no.

Ambry Genetics
Classification: Likely benign for Hereditary cancer-predisposing syndrome. Last evaluated: 2021-04-26. Review status: criteria provided, single submitter. Criteria: Ambry Variant Classification Scheme 2023. Collection method: clinical testing. Allele origin: germline.

Fulgent Genetics
Classification: Uncertain significance for Rhabdoid tumor predisposition syndrome 2; Intellectual disability, autosomal dominant 16. Last evaluated: 2018-10-31. Review status: criteria provided, single submitter. Criteria: ACMG Guidelines, 2015. Collection method: clinical testing. Allele origin: unknown.

Literature cited by the submitters: PubMed 37500730 (cited by Labcorp Genetics (formerly Invitae), Labcorp and Quest Diagnostics Nichols Institute San Juan Capistrano); PubMed 28873162 (cited by Quest Diagnostics Nichols Institute San Juan Capistrano and Sema4); PubMed 29641532 (cited by Quest Diagnostics Nichols Institute San Juan Capistrano); PubMed 33020650 (cited by Quest Diagnostics Nichols Institute San Juan Capistrano).